The following is an entry in ClinVar:

ClinVar aggregate classification (germline): Likely pathogenic (1 of 4 stars; one submission).

Conditions:
3-Oxo-5 alpha-steroid delta 4-dehydrogenase deficiency (PPSH). Also called: 46,XY disorder of sex development due to 5-alpha-reductase 2 deficiency; FAMILIAL INCOMPLETE MALE PSEUDOHERMAPHRODITISM, TYPE 2; MALE PSEUDOHERMAPHRODITISM DUE TO 5-ALPHA-REDUCTASE DEFICIENCY; PSEUDOVAGINAL PERINEOSCROTAL HYPOSPADIAS. Identifiers: Orphanet 753, MedGen C0268297, MONDO:0009923, OMIM 264600. Disease mechanism: loss of function.

Submission:

Labcorp Genetics (formerly Invitae), Labcorp
Classification: Likely pathogenic for 3-Oxo-5 alpha-steroid delta 4-dehydrogenase deficiency. Last evaluated: 2018-10-02. Review status: criteria provided, single submitter. Criteria: Invitae Variant Classification Sherloc (09022015). Collection method: clinical testing. Allele origin: germline.
Comment: This variant is an in-frame deletion of the genomic region encompassing exon 3 of the SRD5A2 gene. It preserves the integrity of the reading frame. This variant has not been reported in the literature in individuals with SRD5A2-related disease. Experimental studies and prediction algorithms are not available for this variant, and the functional significance of a deletion of this exon is currently unknown. This variant disrupts the p.Arg171 amino acid residue in SRD5A2. Other variant(s) that disrupt this residue have been observed in affected individuals (PMID:Â¬â€ 1522235, 24737579, 21631525, 20019388), suggesting that it is a clinically significant residue. As a result, variants that disrupt this residue are likely to be causative of disease. In summary, the currently available evidence indicates that the variant is pathogenic, but additional data are needed to prove that conclusively. Therefore, this variant has been classified as Likely Pathogenic.

NC_000002.12:g.(?_31531351)_(31531492_?)del

Gene: SRD5A2 (steroid 5 alpha-reductase 2; minus strand). Cytogenetic location: 2p23.1.
Variant type: Deletion.
Identifiers: ClinVar variation 647477 (VCV000647477.1).